The following is an entry in ClinVar:

ClinVar aggregate classification (germline): Uncertain significance (1 of 4 stars; one submission).

gnomAD v4.1: 4 of 1,592,382 alleles (0.00025%); highest among the groups gnomAD compares: Non-Finnish European, 0.00034%; no homozygotes.

Submission:

Labcorp Genetics (formerly Invitae), Labcorp
Classification: Uncertain significance. Last evaluated: 2022-10-13. Review status: criteria provided, single submitter. Criteria: Invitae Variant Classification Sherloc (09022015). Collection method: clinical testing. Allele origin: germline.
Comment: In summary, the available evidence is currently insufficient to determine the role of this variant in disease. Therefore, it has been classified as a Variant of Uncertain Significance. Variants that disrupt the consensus splice site are a relatively common cause of aberrant splicing (PMID: 17576681, 9536098). Algorithms developed to predict the effect of sequence changes on RNA splicing suggest that this variant may disrupt the consensus splice site. This variant has not been reported in the literature in individuals affected with RASA2-related conditions. This variant is not present in population databases (gnomAD no frequency). This sequence change falls in intron 11 of the RASA2 gene. It does not directly change the encoded amino acid sequence of the RASA2 protein. It affects a nucleotide within the consensus splice site.

Literature cited by the submitters: PubMed 17576681; PubMed 9536098.

NM_006506.5(RASA2):c.1169+4A>G

Gene: RASA2 (RAS p21 protein activator 2; plus strand). Cytogenetic location: 3q23.
Variant type: single nucleotide variant.
Coding change: c.1169+4A>G on transcript NM_006506.5 (MANE Select); 4 bases into the intron after coding-DNA position 1169, A replaced by G.
Molecular consequence: intron variant.
Genome position (GRCh38, 1-based): chr3:141,571,558, A>G. VCF-style: chr3-141571558-A-G. GRCh37 (hg19) VCF-style: chr3-141290400-A-G.
Other names: c.1169+4A>G (NM_001303245.3, NM_001303246.3).
Identifiers: ClinVar variation 2783366 (VCV002783366.3), dbSNP rs2082920814, ClinGen allele CA2667995809.